The following is an entry in ClinVar:

NM_001843.4(CNTN1):c.2923G>T (p.Glu975Ter)

Gene: CNTN1 (contactin 1; plus strand). Cytogenetic location: 12q12.
Variant type: single nucleotide variant.
Coding change: c.2923G>T on transcript NM_001843.4 (MANE Select); coding-DNA position 2923, G replaced by T.
Protein change: p.Glu975Ter; replaces glutamic acid 975 with a stop codon.
Molecular consequence: nonsense.
Genome position (GRCh38, 1-based): chr12:41,029,162, G>T. VCF-style: chr12-41029162-G-T. GRCh37 (hg19) VCF-style: chr12-41422964-G-T.
Other names: c.2890G>T, p.Glu964Ter (NM_175038.2); short protein forms E975*, E964*.
Identifiers: ClinVar variation 537192 (VCV000537192.7), dbSNP rs1555201480, ClinGen allele CA384588280.

ClinVar aggregate classification (germline): Pathogenic (1 of 4 stars; one submission).

Conditions:
Compton-North congenital myopathy (CMYO12). Identifiers: Orphanet 210163, MedGen C2675527, MONDO:0012929, OMIM 612540.

Submission:

Labcorp Genetics (formerly Invitae), Labcorp
Classification: Pathogenic for Compton-North congenital myopathy. Last evaluated: 2022-09-22. Review status: criteria provided, single submitter. Criteria: Invitae Variant Classification Sherloc (09022015). Collection method: clinical testing. Allele origin: germline.
Comment: ClinVar contains an entry for this variant (Variation ID: 537192). Algorithms developed to predict the effect of sequence changes on RNA splicing suggest that this variant may create or strengthen a splice site. For these reasons, this variant has been classified as Pathogenic. This variant has not been reported in the literature in individuals affected with CNTN1-related conditions. This sequence change creates a premature translational stop signal (p.Glu975*) in the CNTN1 gene. It is expected to result in an absent or disrupted protein product. Loss-of-function variants in CNTN1 are known to be pathogenic (PMID: 19026398, 22242131). This variant is not present in population databases (gnomAD no frequency).

Literature cited by the submitters: PubMed 19026398; PubMed 22242131.